The following is an entry in ClinVar:

NM_003873.7(NRP1):c.2689G>C (p.Glu897Gln)

Gene: NRP1 (neuropilin 1; minus strand). Cytogenetic location: 10p11.22.
Variant type: single nucleotide variant.
Coding change: c.2689G>C on transcript NM_003873.7 (MANE Select); coding-DNA position 2689, G replaced by C.
Protein change: p.Glu897Gln; replaces glutamic acid 897 with glutamine.
Molecular consequence: missense variant. On other transcripts: non-coding transcript variant (1).
Genome position (GRCh38, 1-based): chr10:33,180,159, C>G on the plus strand (G>C on the coding strand, the complement: NRP1 is on the minus strand). VCF-style: chr10-33180159-C-G. GRCh37 (hg19) VCF-style: chr10-33469087-C-G.
Other names: c.2671G>C, p.Glu891Gln (NM_001244972.2); c.2668G>C, p.Glu890Gln (NM_001244973.2); c.2638G>C, p.Glu880Gln (NM_001330068.2); short protein forms E891Q, E880Q, E890Q, E897Q.
Identifiers: ClinVar variation 3202190 (VCV003202190.2), dbSNP rs777261396, ClinGen allele CA5466105.

ClinVar aggregate classification (germline): Uncertain significance. Review status: criteria provided, single submitter (1 of 4 stars). 2 submissions from 2 submitters: Uncertain significance (1). 1 of the submissions does not count toward it. Last evaluated 2023-10-28.

Conditions:
NRP1-related disorder. Also called: NRP1-related condition.

Allele frequency attached by ClinVar (database versions not stated): ExAC 0.00001; gnomAD 0.00001; TOPMed 0.00001.
gnomAD v4.1: 7 of 1,614,040 alleles (0.00043%); highest among the groups gnomAD compares: Non-Finnish European, 0.00051%; no homozygotes.

Submissions (2):

Ambry Genetics
Classification: Uncertain significance. Last evaluated: 2023-10-28. Review status: criteria provided, single submitter. Criteria: Ambry Variant Classification Scheme 2023. Collection method: clinical testing. Allele origin: germline.

PreventionGenetics, part of Exact Sciences
Classification: Uncertain significance for NRP1-related condition. Last evaluated: 2024-04-11. Review status: no assertion criteria provided. Collection method: clinical testing. Allele origin: germline. Not counted in ClinVar's aggregate classification.
Comment: The NRP1 c.2689G>C variant is predicted to result in the amino acid substitution p.Glu897Gln. To our knowledge, this variant has not been reported in the literature. This variant is reported in 0.00088% of alleles in individuals of European (Non-Finnish) descent in gnomAD. At this time, the clinical significance of this variant is uncertain due to the absence of conclusive functional and genetic evidence.